The following is an entry in ClinVar:

NC_012920.1(MT-TG):m.10010T>C

Gene: MT-TG (mitochondrially encoded tRNA glycine; plus strand).
Variant type: single nucleotide variant.
Genome position: chrM-10010-T-C.
Other names: 10010T-C.
Identifiers: ClinVar variation 9612 (VCV000009612.2), dbSNP rs121434476, ClinGen allele CA120577.

ClinVar aggregate classification (germline): Uncertain significance. Review status: reviewed by expert panel (3 of 4 stars). 2 submissions from 2 submitters: Uncertain significance (1). 1 of the submissions does not count toward it. Last evaluated 2022-11-14.

Conditions:
Mitochondrial disease. Also called: Mitochondrial disorder; Mitochondrial disorders. Identifiers: Orphanet 68380, MedGen C0751651, MeSH D028361, MONDO:0044970.
Exercise intolerance. Identifiers: MedGen C0424551, HP:0003546.

Submissions (2):

ClinGen Mitochondrial Disease Nuclear and Mitochondrial  Variant Curation Expert Panel, ClinGen
Classification: Uncertain significance for Mitochondrial disease. Last evaluated: 2022-11-14. Review status: reviewed by expert panel. Criteria: McCormick et al. (Hum Mutat. 2020). Collection method: curation. Allele origin: germline. Inheritance: Mitochondrial inheritance.
Comment: The m.10010T>C variant in MT-TG has been reported in six unrelated individuals with primary mitochondrial disease. Features in affected individuals include Leigh syndrome (in two individuals), lactic acidosis, hyperCKemia, developmental delay, exercise intolerance, seizures, ataxia, sensorineural hearing loss, and optic atrophy. Muscle biopsies revealed ragged red fibers, COX-deficient fibers, and reduced activities of complexes I, III, and IV. The heteroplasmy levels of the variant in affected individuals ranged from 5.4% in blood to 92% in muscle. In cases that had more than one tissue tested, the heteroplasmy level was consistently and significantly higher in muscle (PS4_moderate; PMIDs: 26469001, 11971101, 16120360, 23847141, 9199564). There are no reported de novo occurrences of this variant to our knowledge. There are no large families reported in the medical literature to consider for evidence of segregation. This variant is absent in the GenBank dataset, Helix dataset, and gnomAD v3.1.2 (PM2_supporting). Single fiber testing in two separate individuals showed higher levels of the variant in COX-negative fibers (97.3% and 91.7%) than in COX-positive fibers (87.2% and 58%) (PS3_supporting, PMIDs: 9199564, 11971101). The computational predictor MitoTIP suggests this variant is pathogenic (82.2 percentile) and HmtVAR predicts it to be pathogenic score of 0.55 (PP3). In summary, this variant meets criteria to be classified as uncertain significance for primary mitochondrial disease inherited in a mitochondrial manner. This classification was approved by the NICHD/NINDS U24 ClinGen Mitochondrial Disease Variant Curation Expert Panel on November 14, 2022. Mitochondrial DNA-specific ACMG/AMP criteria applied (PMID: 32906214): PS4_moderate, PM2_supporting, PS3_supporting, PP3.

OMIM
Classification: Pathogenic for EXERCISE INTOLERANCE. Last evaluated: 2002-04-23. Review status: no assertion criteria provided. Collection method: literature only. Allele origin: germline. Not counted in ClinVar's aggregate classification.

Literature cited by the submitters: PubMed 11971101 (cited by OMIM).